The following is an entry in ClinVar:

ClinVar aggregate classification (germline): Uncertain significance (1 of 4 stars; one submission).

Conditions:
Nemaline myopathy 2 (NEM2). Also called: Nemaline myopathy 2, autosomal recessive. Identifiers: MedGen C1850569, MONDO:0009725, OMIM 256030.

Submission:

Labcorp Genetics (formerly Invitae), Labcorp
Classification: Uncertain significance for Nemaline myopathy 2. Last evaluated: 2022-07-30. Review status: criteria provided, single submitter. Criteria: Invitae Variant Classification Sherloc (09022015). Collection method: clinical testing. Allele origin: germline.
Comment: This sequence change replaces proline, which is neutral and non-polar, with threonine, which is neutral and polar, at codon 3155 of the NEB protein (p.Pro3155Thr). This variant is not present in population databases (gnomAD no frequency). This variant has not been reported in the literature in individuals affected with NEB-related conditions. Algorithms developed to predict the effect of missense changes on protein structure and function are either unavailable or do not agree on the potential impact of this missense change (SIFT: "Deleterious"; PolyPhen-2: "Not Available"; Align-GVGD: "Class C0"). In summary, the available evidence is currently insufficient to determine the role of this variant in disease. Therefore, it has been classified as a Variant of Uncertain Significance.

NM_001164508.2(NEB):c.9463C>A (p.Pro3155Thr)

Gene: NEB (nebulin; minus strand). Cytogenetic location: 2q23.3.
Variant type: single nucleotide variant.
Coding change: c.9463C>A on transcript NM_001164508.2 (MANE Select); coding-DNA position 9463, C replaced by A.
Protein change: p.Pro3155Thr; replaces proline 3155 with threonine.
Molecular consequence: missense variant. On other transcripts: intron variant (1).
Genome position (GRCh38, 1-based): chr2:151,631,298, G>T on the plus strand (C>A on the coding strand, the complement: NEB is on the minus strand). VCF-style: chr2-151631298-G-T. GRCh37 (hg19) VCF-style: chr2-152487812-G-T.
Other names: c.9463C>A, p.Pro3155Thr (NM_001164507.2, NM_001271208.2); c.8854-120C>A (NM_004543.5); short protein forms P3155T.
Identifiers: ClinVar variation 1917012 (VCV001917012.2), dbSNP rs2552238361, ClinGen allele CA348801222.
Genomic context (GRCh38, chr2:151,631,298, plus strand): 5'-TGTTATCACTCAGTATTTCGGTAGCTCTCTTGCACTTGACCACATCCATAGACCCAATGG[G>T]GACCCAGCCAATGCCTCTCAGCCACTGGAGATCTGACTTGTAAATATTCTGAGCAGAGGA-3'
Protein context (NP_001157980.2, residues 3145-3165): LQWLRGIGWV[Pro3155Thr]IGSMDVVKCK